The following is an entry in ClinVar:

ClinVar aggregate classification (germline): Uncertain significance. Review status: criteria provided, single submitter (1 of 4 stars). 2 submissions from 2 submitters: Uncertain significance (1). 1 of the submissions does not count toward it. Last evaluated 2023-12-17.

Conditions:
Inborn genetic diseases. Identifiers: MedGen C0950123, MeSH D030342.
PCNT-related disorder. Also called: PCNT-related condition.

Allele frequency attached by ClinVar (database versions not stated): gnomAD exomes 0.00001; gnomAD 0.00006; TOPMed 0.00006.
gnomAD v4.1: 21 of 1,613,924 alleles (0.0013%); highest among the groups gnomAD compares: African/African-American, 0.011%; no homozygotes.

Submissions (2):

Ambry Genetics
Classification: Uncertain significance for Inborn genetic diseases. Last evaluated: 2023-12-17. Review status: criteria provided, single submitter. Criteria: Ambry Variant Classification Scheme 2023. Collection method: clinical testing. Allele origin: germline.

PreventionGenetics, part of Exact Sciences
Classification: Uncertain significance for PCNT-related condition. Last evaluated: 2024-08-15. Review status: no assertion criteria provided. Collection method: clinical testing. Allele origin: germline. Not counted in ClinVar's aggregate classification.
Comment: The PCNT c.3868C>T variant is predicted to result in the amino acid substitution p.Arg1290Cys. To our knowledge, this variant has not been reported in the literature. This variant is reported in 0.016% of alleles in individuals of African descent in gnomAD. At this time, the clinical significance of this variant is uncertain due to the absence of conclusive functional and genetic evidence.

NM_006031.6(PCNT):c.3868C>T (p.Arg1290Cys)

Gene: PCNT (pericentrin; plus strand). Cytogenetic location: 21q22.3.
Variant type: single nucleotide variant.
Coding change: c.3868C>T on transcript NM_006031.6 (MANE Select); coding-DNA position 3868, C replaced by T.
Protein change: p.Arg1290Cys; replaces arginine 1290 with cysteine.
Molecular consequence: missense variant.
Genome position (GRCh38, 1-based): chr21:46,390,697, C>T. VCF-style: chr21-46390697-C-T. GRCh37 (hg19) VCF-style: chr21-47810612-C-T.
Other names: c.3514C>T, p.Arg1172Cys (NM_001315529.2); short protein forms R1172C, R1290C.
Identifiers: ClinVar variation 3210366 (VCV003210366.2), dbSNP rs990450574, ClinGen allele CA322030784.